The following is an entry in ClinVar:

NM_001408.3(CELSR2):c.7698C>T (p.Phe2566=)

Gene: CELSR2 (cadherin EGF LAG seven-pass G-type receptor 2; plus strand). Cytogenetic location: 1p13.3.
Variant type: single nucleotide variant.
Coding change: c.7698C>T on transcript NM_001408.3 (MANE Select); coding-DNA position 7698, C replaced by T.
Protein change: p.Phe2566=; no amino-acid change (phenylalanine 2566 retained).
Molecular consequence: synonymous variant.
Genome position (GRCh38, 1-based): chr1:109,271,407, C>T. VCF-style: chr1-109271407-C-T. GRCh37 (hg19) VCF-style: chr1-109814029-C-T.
Identifiers: ClinVar variation 3048721 (VCV003048721.2), dbSNP rs367633301, ClinGen allele CA988338.

ClinVar aggregate classification (germline): Likely benign (0 of 4 stars; one submission).

Conditions:
CELSR2-related disorder. Also called: CELSR2-related condition.

Allele frequency attached by ClinVar (database versions not stated): gnomAD 0.00002; gnomAD exomes 0.00003; ExAC 0.00004; ESP Exome Variant Server 0.00015.
gnomAD v4.1: 46 of 1,613,094 alleles (0.0029%); highest among the groups gnomAD compares: Middle Eastern, 0.099%; no homozygotes.

Submission:

PreventionGenetics, part of Exact Sciences
Classification: Likely benign for CELSR2-related condition. Last evaluated: 2019-12-16. Review status: no assertion criteria provided. Collection method: clinical testing. Allele origin: germline.
Comment: This variant is classified as likely benign based on ACMG/AMP sequence variant interpretation guidelines (Richards et al. 2015 PMID: 25741868, with internal and published modifications).